The following is an entry in ClinVar:

ClinVar aggregate classification (germline): Likely pathogenic (1 of 4 stars; one submission).

Submission:

Clinical Genomics Laboratory, Laboratory for Precision Diagnostics, University of Washington
Classification: Likely pathogenic. Last evaluated: 2020-01-13. Review status: criteria provided, single submitter. Criteria: Clinical Cytogenomics Laboratory Policy on CNV Interpretation. Collection method: clinical testing. Allele origin: maternal. Affected: yes. Observed: 1 variant allele.
Comment: Reduced penetrance

Literature cited by the submitters: PubMed 21147883; PubMed 26040210; PubMed 19938087; PubMed 26984564; PubMed 19533800; PubMed 27073233; PubMed 20655035.

GRCh37/hg19 Xp22.33(chrX:293493-568604)x3

Variant type: copy number gain.
Change: copy number 3 of chrX:293,493-568,604 (275.1 kb, GRCh37 coordinates, 1-based), cytogenetic band Xp22.33.
Identifiers: ClinVar variation 929356 (VCV000929356.2).